The following is an entry in ClinVar:

ClinVar aggregate classification (germline): Uncertain significance (1 of 4 stars; one submission).

Submission:

GeneDx
Classification: Uncertain significance. Last evaluated: 2023-07-04. Review status: criteria provided, single submitter. Criteria: GeneDx Variant Classification Process June 2021. Collection method: clinical testing. Allele origin: germline. Affected: yes.
Comment: Not observed at significant frequency in large population cohorts (gnomAD); In silico analysis supports that this missense variant does not alter protein structure/function; Has not been previously published as pathogenic or benign to our knowledge.

NM_001042681.2(RERE):c.2554C>T (p.Pro852Ser)

Gene: RERE (arginine-glutamic acid dipeptide repeats; minus strand). Cytogenetic location: 1p36.23.
Variant type: single nucleotide variant.
Coding change: c.2554C>T on transcript NM_001042681.2 (MANE Select); coding-DNA position 2554, C replaced by T.
Protein change: p.Pro852Ser; replaces proline 852 with serine.
Molecular consequence: missense variant.
Genome position (GRCh38, 1-based): chr1:8,360,953, G>A on the plus strand (C>T on the coding strand, the complement: RERE is on the minus strand). VCF-style: chr1-8360953-G-A. GRCh37 (hg19) VCF-style: chr1-8421013-G-A.
Other names: c.892C>T, p.Pro298Ser (NM_001042682.2); c.2554C>T, p.Pro852Ser (NM_012102.4); short protein forms P298S, P852S.
Identifiers: ClinVar variation 1700368 (VCV001700368.3), dbSNP rs2124367953, ClinGen allele CA338172383.